The following is an entry in ClinVar:

ClinVar aggregate classification (germline): Pathogenic. Review status: criteria provided, multiple submitters, no conflicts (2 of 4 stars). 5 submissions from 5 submitters: Pathogenic (3). 2 of the submissions do not count toward it. Last evaluated 2024-05-01.

Conditions:
Joubert syndrome and related disorders. Identifiers: Orphanet 140874, MedGen C5679612, MONDO:0015369.
COACH syndrome 2. Identifiers: MedGen C5436837, MONDO:0030859, OMIM 619111.
Retinitis pigmentosa 93. Identifiers: MedGen C5676970, MONDO:0030797, OMIM 619845.
Meckel syndrome, type 6. Identifiers: Orphanet 564, MedGen C2676790, MONDO:0012848, OMIM 612284.
Joubert syndrome 9 (JBTS9). Identifiers: Orphanet 2318, MedGen C2676788, MONDO:0012849, OMIM 612285.
CC2D2A-related disorder. Also called: CC2D2A-related disorders; CC2D2A-related condition. Identifiers: MedGen CN239313.
Joubert syndrome. Also called: JOUBERT-BOLTSHAUSER SYNDROME; Familial aplasia of the vermis. Identifiers: Orphanet 475, MedGen C5979921, MONDO:0018772.
Meckel-Gruber syndrome. Also called: DYSENCEPHALIA SPLANCHNOCYSTICA; GRUBER SYNDROME; Dysencephalia splachnocystica. Identifiers: Orphanet 564, MedGen C0265215, MONDO:0018921.

Allele frequency attached by ClinVar (database versions not stated): gnomAD exomes below 0.00001.

Submissions (5):

Myriad Genetics, Inc.
Classification: Pathogenic for Joubert syndrome and related disorders. Last evaluated: 2024-05-01. Review status: criteria provided, single submitter. Criteria: Myriad Autosomal Dominant, Autosomal Recessive and X-Linked Classification Criteria (2023). Collection method: clinical testing. Allele origin: unknown.
Comment: NM_001080522.2(CC2D2A):c.1538G>A(W513*) is expected to be pathogenic in the context of CC2D2A-related disorders. This variant is predicted to lead to an abnormal or absent protein product due to the creation of a premature termination codon in CC2D2A, a gene where loss-of-function variants are known to be pathogenic. Please note: this variant was assessed in the context of healthy population screening.

Labcorp Genetics (formerly Invitae), Labcorp
Classification: Pathogenic for Joubert syndrome; Meckel-Gruber syndrome. Last evaluated: 2023-08-29. Review status: criteria provided, single submitter. Criteria: Invitae Variant Classification Sherloc (09022015). Collection method: clinical testing. Allele origin: germline.
Comment: For these reasons, this variant has been classified as Pathogenic. Algorithms developed to predict the effect of sequence changes on RNA splicing suggest that this variant may disrupt the consensus splice site. ClinVar contains an entry for this variant (Variation ID: 1074596). This premature translational stop signal has been observed in individual(s) with Meckel syndrome (PMID: 19777577). This variant is not present in population databases (gnomAD no frequency). This sequence change creates a premature translational stop signal (p.Trp513*) in the CC2D2A gene. It is expected to result in an absent or disrupted protein product. Loss-of-function variants in CC2D2A are known to be pathogenic (PMID: 19777577).

Juno Genomics, Hangzhou Juno Genomics, Inc
Classification: Pathogenic for COACH syndrome 2; Joubert syndrome 9; Meckel syndrome, type 6; Retinitis pigmentosa 93. Review status: criteria provided, single submitter. Criteria: ACMG Guidelines, 2015. Collection method: clinical testing. Allele origin: germline. Affected: yes.
Comment: Absent from controls (or at extremely low frequency if recessive) in Genome Aggregation Database, Exome Sequencing Project, 1000 Genomes Project, or Exome Aggregation Consortium.;Null variant in a gene where loss of function (LOF) is a known mechanism of disease.;For recessive disorders, detected in trans with a pathogenic variant.;Patient's phenotype or family history is highly specific for a disease with a single genetic etiology.

PreventionGenetics, part of Exact Sciences
Classification: Pathogenic for CC2D2A-related condition. Last evaluated: 2024-08-12. Review status: no assertion criteria provided. Collection method: clinical testing. Allele origin: germline. Not counted in ClinVar's aggregate classification.
Comment: The CC2D2A c.1538G>A variant is predicted to result in premature protein termination (p.Trp513*). This variant has previously been reported in the compound heterozygous state in one fetus with Meckel-Gruber syndrome (Mougou-Zerelli et al. 2009. PubMed ID: 19777577) and in an individual with a neurodevelopmental disorder (Wang et al. 2022. PubMed ID: 35266334). Nonsense variants in CC2D2A are expected to be pathogenic. This variant is interpreted as pathogenic.

Medical Genetic Institute of Henan Province, Henan Provincial People’s Hospital
Classification: Pathogenic for Meckel syndrome. Review status: no assertion criteria provided. Collection method: case-control. Allele origin: unknown. Not counted in ClinVar's aggregate classification.

Literature cited by the submitters: PubMed 19777577 (cited by Labcorp Genetics (formerly Invitae), Labcorp).

NM_001378615.1(CC2D2A):c.1538G>A (p.Trp513Ter)

Genes: CC2D2A (coiled-coil and C2 domain containing 2A; plus strand), FBXL5 (F-box and leucine rich repeat protein 5; minus strand). Cytogenetic location: 4p15.32.
Variant type: single nucleotide variant.
Coding change: c.1538G>A on transcript NM_001378615.1 (MANE Select); coding-DNA position 1538, G replaced by A.
Protein change: p.Trp513Ter; replaces tryptophan 513 with a stop codon.
Molecular consequence: nonsense.
Genome position (GRCh38, 1-based): chr4:15,533,264, G>A. VCF-style: chr4-15533264-G-A. GRCh37 (hg19) VCF-style: chr4-15534887-G-A.
Other names: c.1538G>A, p.Trp513Ter (NM_001080522.2); c.1391G>A, p.Trp464Ter (NM_001378617.1); short protein forms W464*, W513*.
Identifiers: ClinVar variation 1074596 (VCV001074596.14), dbSNP rs2109029867, ClinGen allele CA356410983.